The following is an entry in ClinVar:

NM_001080414.4(CCDC88C):c.4397A>G (p.Asn1466Ser)

Gene: CCDC88C (coiled-coil domain containing 88C; minus strand). Cytogenetic location: 14q32.11.
Variant type: single nucleotide variant.
Coding change: c.4397A>G on transcript NM_001080414.4 (MANE Select); coding-DNA position 4397, A replaced by G.
Protein change: p.Asn1466Ser; replaces asparagine 1466 with serine.
Molecular consequence: missense variant. On other transcripts: non-coding transcript variant (2).
Genome position (GRCh38, 1-based): chr14:91,289,149, T>C on the plus strand (A>G on the coding strand, the complement: CCDC88C is on the minus strand). VCF-style: chr14-91289149-T-C. GRCh37 (hg19) VCF-style: chr14-91755493-T-C.
Other names: p.Asn1466Ser; c.4397A>G (NM_001080414.3); short protein forms N1466S.
Identifiers: ClinVar variation 3380231 (VCV003380231.2).

ClinVar aggregate classification (germline): Conflicting classifications of pathogenicity. Review status: criteria provided, conflicting classifications (1 of 4 stars). 2 submissions from 2 submitters: Uncertain significance (1); Likely benign (1). Last evaluated 2024-11-10.

Conditions:
Inborn genetic diseases. Identifiers: MedGen C0950123, MeSH D030342.

gnomAD v4.1: 93 of 1,613,512 alleles (0.0058%); highest among the groups gnomAD compares: South Asian, 0.083%; no homozygotes.

Submissions (2):

Ambry Genetics
Classification: Likely benign for Inborn genetic diseases. Last evaluated: 2024-11-10. Review status: criteria provided, single submitter. Criteria: Ambry Variant Classification Scheme 2023. Collection method: clinical testing. Allele origin: germline.

Mayo Clinic Laboratories, Mayo Clinic
Classification: Uncertain significance. Last evaluated: 2024-06-11. Review status: criteria provided, single submitter. Criteria: ACMG Guidelines, 2015. Collection method: clinical testing. Allele origin: germline. Observed: 1 variant allele.
Comment: BP4